The following is an entry in ClinVar:

ClinVar aggregate classification (germline): Benign. Review status: criteria provided, multiple submitters, no conflicts (2 of 4 stars). 12 submissions from 8 submitters: Benign (12). Last evaluated 2026-02-04.

Conditions:
Congenital myasthenic syndrome 16. Identifiers: Orphanet 590, MedGen C3280112, MONDO:0013620, OMIM 614198.
Paramyotonia congenita of Von Eulenburg. Also called: PARALYSIS PERIODICA PARAMYOTONICA; Paramyotonia Congenita; Eulenburg disease; Myotonia congenita intermittens; Von Eulenburg paramyotonia congenita. Identifiers: Orphanet 684, MedGen C0221055, MONDO:0008195, OMIM 168300. Disease mechanism: loss of function.
Hypokalemic periodic paralysis, type 2 (HOKPP2). Identifiers: Orphanet 681, MedGen C2750061, MONDO:0013234, OMIM 613345.
Hyperkalemic periodic paralysis. Also called: Familial hyperkalemic periodic paralysis; Gamstorp disease. Identifiers: Orphanet 682, MedGen C0238357, MONDO:0008224, OMIM 170500, HP:0007215.
Potassium-aggravated myotonia. Also called: MYOTONIA CONGENITA, ACETAZOLAMIDE-RESPONSIVE; MYOTONIA CONGENITA, ATYPICAL; SODIUM CHANNEL MUSCLE DISEASE; Myotonia congenita, atypical, acetazolamide-responsive. Identifiers: Orphanet 612, Orphanet 99734, Orphanet 99735, Orphanet 99736, MedGen C2931826, MONDO:0018959, OMIM 608390.

Allele frequency attached by ClinVar (database versions not stated): 1000 Genomes Project 30x 0.19738; gnomAD 0.15916 and 0.16384; ESP Exome Variant Server 0.17164; TOPMed 0.18471; 1000 Genomes Project 0.18530.
gnomAD v4.1: 49,085 of 1,592,554 alleles (3.1%); highest among the groups gnomAD compares: African/African-American, 57%; 12,530 homozygotes.

Submissions (12):

Labcorp Genetics (formerly Invitae), Labcorp
Classification: Benign for Hyperkalemic periodic paralysis. Last evaluated: 2026-02-04. Review status: criteria provided, single submitter. Criteria: Invitae Variant Classification Sherloc (09022015). Collection method: clinical testing. Allele origin: germline.

Athena Diagnostics
Classification: Benign. Last evaluated: 2021-03-09. Review status: criteria provided, single submitter. Criteria: Athena Diagnostics Criteria. Collection method: clinical testing. Allele origin: unknown.

Illumina Laboratory Services, Illumina
Classification: Benign for Potassium-aggravated myotonia. Last evaluated: 2018-01-13. Review status: criteria provided, single submitter. Criteria: ICSL Variant Classification Criteria 13 December 2019. Collection method: clinical testing. Allele origin: germline.
Comment: This variant was observed in the ICSL laboratory as part of a predisposition screen in an ostensibly healthy population. It had not been previously curated by ICSL or reported in the Human Gene Mutation Database (HGMD: prior to June 1st, 2018), and was therefore a candidate for classification through an automated scoring system. Utilizing variant allele frequency, disease prevalence and penetrance estimates, and inheritance mode, an automated score was calculated to assess if this variant is too frequent to cause the disease. Based on the score and internal cut-off values, a variant classified as benign is not then subjected to further curation. The score for this variant resulted in a classification of benign for this disease.

Illumina Laboratory Services, Illumina
Classification: Benign for Hypokalemic periodic paralysis, type 2. Last evaluated: 2018-01-13. Review status: criteria provided, single submitter. Criteria: ICSL Variant Classification Criteria 13 December 2019. Collection method: clinical testing. Allele origin: germline.
Comment: the same text as in the submission from Illumina Laboratory Services, Illumina above.

Illumina Laboratory Services, Illumina
Classification: Benign for Paramyotonia congenita of Von Eulenburg. Last evaluated: 2018-01-13. Review status: criteria provided, single submitter. Criteria: ICSL Variant Classification Criteria 13 December 2019. Collection method: clinical testing. Allele origin: germline.
Comment: the same text as in the submission from Illumina Laboratory Services, Illumina above.

Illumina Laboratory Services, Illumina
Classification: Benign for Congenital myasthenic syndrome 16. Last evaluated: 2018-01-13. Review status: criteria provided, single submitter. Criteria: ICSL Variant Classification Criteria 13 December 2019. Collection method: clinical testing. Allele origin: germline.
Comment: the same text as in the submission from Illumina Laboratory Services, Illumina above.

Illumina Laboratory Services, Illumina
Classification: Benign for Hyperkalemic periodic paralysis. Last evaluated: 2018-01-13. Review status: criteria provided, single submitter. Criteria: ICSL Variant Classification Criteria 13 December 2019. Collection method: clinical testing. Allele origin: germline.
Comment: the same text as in the submission from Illumina Laboratory Services, Illumina above.

Mayo Clinic Laboratories, Mayo Clinic
Classification: Benign. Last evaluated: 2017-07-25. Review status: criteria provided, single submitter. Criteria: ACMG Guidelines, 2015. Collection method: clinical testing. Allele origin: germline. Observed: 105 variant alleles.

GeneDx
Classification: Benign. Last evaluated: 2016-03-07. Review status: criteria provided, single submitter. Criteria: GeneDx Variant Classification (06012015). Collection method: clinical testing. Allele origin: germline. Affected: yes.
Comment: This variant is considered likely benign or benign based on one or more of the following criteria: it is a conservative change, it occurs at a poorly conserved position in the protein, it is predicted to be benign by multiple in silico algorithms, and/or has population frequency not consistent with disease.

Genetic Services Laboratory, University of Chicago
Classification: Benign for AllHighlyPenetrant. Last evaluated: 2013-08-15. Review status: criteria provided, single submitter. Criteria: ACMG Guidelines, 2007. Collection method: clinical testing. Allele origin: germline. Inheritance: Autosomal recessive inheritance.

Breakthrough Genomics
Classification: Benign. Review status: criteria provided, single submitter. Criteria: ACMG Guidelines, 2015. Collection method: not provided. Allele origin: germline. Inheritance: Autosomal recessive inheritance. Affected: yes.

PreventionGenetics, part of Exact Sciences
Classification: Benign. Review status: criteria provided, single submitter. Criteria: ACMG Guidelines, 2015. Collection method: clinical testing. Allele origin: germline.

NM_000334.4(SCN4A):c.5478T>G (p.Thr1826=)

Genes: GH-LCR (growth hormone locus control region; plus strand), SCN4A (sodium voltage-gated channel alpha subunit 4; minus strand). Cytogenetic location: 17q23.3.
Variant type: single nucleotide variant.
Coding change: c.5478T>G on transcript NM_000334.4 (MANE Select); coding-DNA position 5478, T replaced by G.
Protein change: p.Thr1826=; no amino-acid change (threonine 1826 retained).
Molecular consequence: synonymous variant.
Genome position (GRCh38, 1-based): chr17:63,940,804, A>C on the plus strand (T>G on the coding strand, the complement: SCN4A is on the minus strand). VCF-style: chr17-63940804-A-C. GRCh37 (hg19) VCF-style: chr17-62018164-A-C.
Other names: p.Thr1826=.
Identifiers: ClinVar variation 130240 (VCV000130240.22), dbSNP rs2227906, ClinGen allele CA155088.